The following is an entry in ClinVar:

NM_001080467.3(MYO5B):c.5416G>A (p.Asp1806Asn)

Genes: MYO5B (myosin VB; minus strand), SNHG22 (small nucleolar RNA host gene 22; plus strand). Cytogenetic location: 18q21.1.
Variant type: single nucleotide variant.
Coding change: c.5416G>A on transcript NM_001080467.3 (MANE Select); coding-DNA position 5416, G replaced by A.
Protein change: p.Asp1806Asn; replaces aspartic acid 1806 with asparagine.
Molecular consequence: missense variant.
Genome position (GRCh38, 1-based): chr18:49,826,602, C>T on the plus strand (G>A on the coding strand, the complement: MYO5B is on the minus strand). VCF-style: chr18-49826602-C-T. GRCh37 (hg19) VCF-style: chr18-47352972-C-T.
Other names: short protein forms D1806N.
Identifiers: ClinVar variation 1432676 (VCV001432676.5), dbSNP rs2144012431, ClinGen allele CA402418091.
Genomic context (GRCh38, chr18:49,826,602, plus strand): 5'-GATTAAATGGAAACAAAACAGGAAACATGTGCTTGGCATCTAATAGCAGTTGCTGAGGGT[C>T]ATTCCGCTCTTGTAGTTGTGCCTATGGGGAAGAATAAGACCATGTAAAGTTTGAGTACCC-3'
Protein context (NP_001073936.1, residues 1796-1816): TIQAQLQERN[Asp1806Asn]PQQLLLDAKH

ClinVar aggregate classification (germline): Uncertain significance (1 of 4 stars; one submission).

Allele frequency attached by ClinVar (database versions not stated): gnomAD exomes below 0.00001.
gnomAD v4.1: 2 of 1,613,526 alleles (0.00012%); highest among the groups gnomAD compares: Admixed American, 0.0017%; no homozygotes.

Submission:

Labcorp Genetics (formerly Invitae), Labcorp
Classification: Uncertain significance. Last evaluated: 2022-03-04. Review status: criteria provided, single submitter. Criteria: Invitae Variant Classification Sherloc (09022015). Collection method: clinical testing. Allele origin: germline.
Comment: This sequence change replaces aspartic acid, which is acidic and polar, with asparagine, which is neutral and polar, at codon 1806 of the MYO5B protein (p.Asp1806Asn). This variant is not present in population databases (gnomAD no frequency). This variant has not been reported in the literature in individuals affected with MYO5B-related conditions. Algorithms developed to predict the effect of missense changes on protein structure and function are either unavailable or do not agree on the potential impact of this missense change (SIFT: "Deleterious"; PolyPhen-2: "Probably Damaging"; Align-GVGD: "Class C0"). In summary, the available evidence is currently insufficient to determine the role of this variant in disease. Therefore, it has been classified as a Variant of Uncertain Significance.